The following is an entry in ClinVar:

NM_015215.4(CAMTA1):c.1744G>T (p.Glu582Ter)

Gene: CAMTA1 (calmodulin binding transcription activator 1; plus strand). Cytogenetic location: 1p36.23.
Variant type: single nucleotide variant.
Coding change: c.1744G>T on transcript NM_015215.4 (MANE Select); coding-DNA position 1744, G replaced by T.
Protein change: p.Glu582Ter; replaces glutamic acid 582 with a stop codon.
Molecular consequence: nonsense.
Genome position (GRCh38, 1-based): chr1:7,664,291, G>T. VCF-style: chr1-7664291-G-T. GRCh37 (hg19) VCF-style: chr1-7724351-G-T.
Other names: c.1654G>T, p.Glu552Ter (NM_001349608.2, NM_001349612.2); c.1744G>T, p.Glu582Ter (NM_001349609.2, NM_001349610.2); short protein forms E582*, E552*.
Identifiers: ClinVar variation 393078 (VCV000393078.2), dbSNP rs1057524775, ClinGen allele CA16603744.

ClinVar aggregate classification (germline): Likely pathogenic (1 of 4 stars; one submission).

Submission:

GeneDx
Classification: Likely pathogenic. Last evaluated: 2017-08-03. Review status: criteria provided, single submitter. Criteria: GeneDx Variant Classification (06012015). Collection method: clinical testing. Allele origin: germline. Affected: yes.
Comment: The E582X variant in the CAMTA1 gene has not been reported previously as a pathogenic variant nor as a benign variant, to our knowledge. This variant is predicted to cause loss of normal protein function either through protein truncation or nonsense-mediated mRNA decay. The E582X variant is not observed in large population cohorts (Lek et al., 2016). We interpret E582X as a likely pathogenic variant.